The following is an entry in ClinVar:

ClinVar aggregate classification (germline): Uncertain significance (1 of 4 stars; one submission).

Conditions:
Inborn genetic diseases. Identifiers: MedGen C0950123, MeSH D030342.

Submission:

Ambry Genetics
Classification: Uncertain significance for Inborn genetic diseases. Last evaluated: 2025-05-10. Review status: criteria provided, single submitter. Criteria: Ambry Variant Classification Scheme 2023. Collection method: clinical testing. Allele origin: germline.
Comment: The p.Q365P variant (also known as c.1094A>C), located in coding exon 9 of the CEP57 gene, results from an A to C substitution at nucleotide position 1094. The glutamine at codon 365 is replaced by proline, an amino acid with similar properties. This amino acid position is conserved. In addition, the in silico prediction for this alteration is inconclusive. Based on the available evidence, the clinical significance of this variant remains unclear.

NM_014679.5(CEP57):c.1094A>C (p.Gln365Pro)

Gene: CEP57 (centrosomal protein 57; plus strand). Cytogenetic location: 11q21.
Variant type: single nucleotide variant.
Coding change: c.1094A>C on transcript NM_014679.5 (MANE Select); coding-DNA position 1094, A replaced by C.
Protein change: p.Gln365Pro; replaces glutamine 365 with proline.
Molecular consequence: missense variant.
Genome position (GRCh38, 1-based): chr11:95,827,994, A>C. VCF-style: chr11-95827994-A-C. GRCh37 (hg19) VCF-style: chr11-95561158-A-C.
Other names: c.1067A>C, p.Gln356Pro (NM_001243776.2); c.1016A>C, p.Gln339Pro (NM_001243777.2); c.1013A>C, p.Gln338Pro (NM_001363604.2); short protein forms Q339P, Q356P, Q365P, Q338P.
Identifiers: ClinVar variation 4001037 (VCV004001037.1).